The following is an entry in ClinVar:

ClinVar aggregate classification (germline): Conflicting classifications of pathogenicity. Review status: criteria provided, conflicting classifications (1 of 4 stars). 5 submissions from 5 submitters: Uncertain significance (3); Likely benign (1). 1 of the submissions does not count toward it. Last evaluated 2025-10-23.

Conditions:
ATM-related disorder. Also called: ATM-related disorders; ATM-related condition.
Hereditary cancer-predisposing syndrome. Also called: Neoplastic Syndromes, Hereditary; Tumor predisposition; Hereditary neoplastic syndrome; Hereditary Cancer Syndrome. Identifiers: Orphanet 140162, MedGen C0027672, MeSH D009386, MONDO:0015356.
Ataxia-telangiectasia syndrome (AT). Also called: Cerebello-oculocutaneous telangiectasia; Immunodeficiency with ataxia telangiectasia; Ataxia-telangiectasia; Ataxia telangiectasia (A-T); LOUIS-BAR SYNDROME; Ataxia-telangiectasia, complementation group D. Identifiers: Orphanet 100, MedGen C0004135, MONDO:0008840, OMIM 208900.

Allele frequency attached by ClinVar (database versions not stated): gnomAD exomes 0.00001.
gnomAD v4.1: 3 of 1,611,700 alleles (0.00019%); highest among the groups gnomAD compares: Non-Finnish European, 0.00025%; no homozygotes.

Submissions (5):

Labcorp Genetics (formerly Invitae), Labcorp
Classification: Uncertain significance for Ataxia-telangiectasia syndrome. Last evaluated: 2025-10-23. Review status: criteria provided, single submitter. Criteria: Invitae Variant Classification Sherloc (09022015). Collection method: clinical testing. Allele origin: germline.
Comment: This sequence change replaces isoleucine, which is neutral and non-polar, with valine, which is neutral and non-polar, at codon 366 of the ATM protein (p.Ile366Val). This variant is not present in population databases (gnomAD no frequency). This variant has not been reported in the literature in individuals affected with ATM-related conditions. ClinVar contains an entry for this variant (Variation ID: 246292). Invitae Evidence Modeling of protein sequence and biophysical properties (such as structural, functional, and spatial information, amino acid conservation, physicochemical variation, residue mobility, and thermodynamic stability) indicates that this missense variant is not expected to disrupt ATM protein function with a negative predictive value of 95%. In summary, the available evidence is currently insufficient to determine the role of this variant in disease. Therefore, it has been classified as a Variant of Uncertain Significance.

Ambry Genetics
Classification: Likely benign for Hereditary cancer-predisposing syndrome. Last evaluated: 2024-03-14. Review status: criteria provided, single submitter. Criteria: Ambry Variant Classification Scheme 2023. Collection method: clinical testing. Allele origin: germline.

GeneDx
Classification: Uncertain significance. Last evaluated: 2023-05-01. Review status: criteria provided, single submitter. Criteria: GeneDx Variant Classification Process June 2021. Collection method: clinical testing. Allele origin: germline. Affected: yes.
Comment: Not observed at significant frequency in large population cohorts (gnomAD); In silico analysis supports that this missense variant does not alter protein structure/function; Has not been previously published as pathogenic or benign to our knowledge

Women's Health and Genetics/Laboratory Corporation of America, LabCorp
Classification: Uncertain significance. Last evaluated: 2017-12-04. Review status: criteria provided, single submitter. Criteria: LabCorp Variant Classification Summary - May 2015. Collection method: clinical testing. Allele origin: germline.
Comment: Variant summary: The ATM c.1096A>G (p.Ile366Val) variant involves the alteration of a conserved nucleotide. 4/4 in silico tools predict a benign outcome for this variant (SNPsandGO not captured due to low reliability index). This variant is absent in 245618 control chromosomes. In addition, two clinical diagnostic laboratories classified this variant as uncertain significance. The variant of interest has not, to our knowledge, been reported in affected individuals via publications, nor evaluated for functional impact by in vivo/vitro studies. Because of the absence of clinical information and the lack of functional studies, the variant is classified as a variant of uncertain significance (VUS) until additional information becomes available.

PreventionGenetics, part of Exact Sciences
Classification: Uncertain significance for ATM-related condition. Last evaluated: 2024-03-29. Review status: no assertion criteria provided. Collection method: clinical testing. Allele origin: germline. Not counted in ClinVar's aggregate classification.
Comment: The ATM c.1096A>G variant is predicted to result in the amino acid substitution p.Ile366Val. To our knowledge, this variant has not been reported in the literature or in a large population database, indicating this variant is rare. This variant is interpreted as a variant of uncertain significance in ClinVar. At this time, the clinical significance of this variant is uncertain due to the absence of conclusive functional and genetic evidence.

NM_000051.4(ATM):c.1096A>G (p.Ile366Val)

Gene: ATM (ATM serine/threonine kinase; plus strand). Cytogenetic location: 11q22.3.
Variant type: single nucleotide variant.
Coding change: c.1096A>G on transcript NM_000051.4 (MANE Select); coding-DNA position 1096, A replaced by G.
Protein change: p.Ile366Val; replaces isoleucine 366 with valine.
Molecular consequence: missense variant.
Genome position (GRCh38, 1-based): chr11:108,248,963, A>G. VCF-style: chr11-108248963-A-G. GRCh37 (hg19) VCF-style: chr11-108119690-A-G.
Other names: c.1096A>G, p.Ile366Val (NM_001351834.2); short protein forms I366V.
Identifiers: ClinVar variation 246292 (VCV000246292.15), dbSNP rs879254198, ClinGen allele CA10584320.
Genomic context (GRCh38, chr11:108,248,963, plus strand): 5'-GAAAAAAGTGGATTTATTTTTATTTTACAGGTTTTTAATGAAGATACCAGATCCTTGGAG[A>G]TTTCTCAATCTTACACTACTACACAAAGAGAATCTAGTGATTACAGTGTCCCTTGCAAAA-3'
Protein context (NP_000042.3, residues 356-376): VFNEDTRSLE[Ile366Val]SQSYTTTQRE